The following is an entry in ClinVar:

ClinVar aggregate classification (germline): Pathogenic (1 of 4 stars; one submission).

Conditions:
Familial adenomatous polyposis 2. Also called: Adenomas, multiple colorectal; MYH-associated polyposis; COLORECTAL ADENOMATOUS POLYPOSIS, AUTOSOMAL RECESSIVE; ADENOMAS, MULTIPLE COLORECTAL, AUTOSOMAL RECESSIVE; FAP type 2; MUTYH Polyposis. Identifiers: Orphanet 220460, Orphanet 247798, MedGen C3272841, MONDO:0012041, OMIM 608456.

Submission:

Labcorp Genetics (formerly Invitae), Labcorp
Classification: Pathogenic for Familial adenomatous polyposis 2. Last evaluated: 2021-05-09. Review status: criteria provided, single submitter. Criteria: Invitae Variant Classification Sherloc (09022015). Collection method: clinical testing. Allele origin: germline.
Comment: This sequence change creates a premature translational stop signal (p.Glu74Argfs*17) in the MUTYH gene. It is expected to result in an absent or disrupted protein product. Loss-of-function variants in MUTYH are known to be pathogenic (PMID: 18534194, 20663686). This variant is not present in population databases (ExAC no frequency). For these reasons, this variant has been classified as Pathogenic. This variant has not been reported in the literature in individuals with MUTYH-related conditions.

Literature cited by the submitters: PubMed 18534194; PubMed 20663686.

NM_001048174.2(MUTYH):c.136del (p.Glu46fs)

Gene: MUTYH (mutY DNA glycosylase; minus strand). Cytogenetic location: 1p34.1.
Variant type: Deletion.
Coding change: c.136del on transcript NM_001048174.2 (MANE Select); coding-DNA position 136, one base deleted (G; older notation c.136delG).
Protein change: p.Glu46fs; shifts the reading frame from glutamic acid 46.
Molecular consequence: frameshift variant. On other transcripts: 5 prime UTR variant (1), non-coding transcript variant (2), intron variant (3).
Genome position (GRCh38, 1-based): chr1:45,333,541, C deleted on the plus strand (G on the coding strand, the reverse complement: MUTYH is on the minus strand). VCF-style (leftmost placement, unchanged base first): chr1-45333540-TC-T. GRCh37 (hg19) VCF-style: chr1-45799212-TC-T.
Other names: c.136del, p.Glu46fs (NM_001048171.2, NM_001048173.2, NM_001293195.2); c.139del, p.Glu47fs (NM_001048172.2); c.220del, p.Glu74fs (NM_001128425.2); c.181del, p.Glu61fs (NM_001293190.2); c.169del, p.Glu57fs (NM_001293191.2); c.-136del (NM_001350650.2); c.211del, p.Glu71fs (NM_012222.3); c.-92-44del (NM_001350651.2); and 1 more; short protein forms E57fs, E61fs, E71fs, E47fs, E46fs, E74fs.
Identifiers: ClinVar variation 1395788 (VCV001395788.6), dbSNP rs2149175646, ClinGen allele CA2573132102.